The following is an entry in ClinVar:

ClinVar aggregate classification (germline): Uncertain significance (1 of 4 stars; one submission).

Conditions:
Hereditary cancer-predisposing syndrome. Also called: Neoplastic Syndromes, Hereditary; Tumor predisposition; Hereditary Cancer Syndrome; Hereditary neoplastic syndrome. Identifiers: Orphanet 140162, MedGen C0027672, MeSH D009386, MONDO:0015356.

Submission:

Ambry Genetics
Classification: Uncertain significance for Hereditary cancer-predisposing syndrome. Last evaluated: 2026-05-28. Review status: criteria provided, single submitter. Criteria: Ambry Variant Classification Scheme 2023. Collection method: clinical testing. Allele origin: germline.
Comment: The c.2192_2203dup12 variant (also known as p.V734_I735insNMGV), located in coding exon 13 of the ATM gene, results from an in-frame duplication of 12 nucleotides at nucleotide positions 2192 to 2203. This results in the duplication of 4 extra residues (NMGV) between codons 734 and 735.In addition, the in silico prediction for this variant is inconclusive (Choi Y et al. PLoS ONE. 2012; 7(10):e46688). Based on the available evidence, the clinical significance of this variant remains unclear.

NM_000051.4(ATM):c.2192_2203dup (p.Val734_Ile735insAsnMetGlyVal)

Gene: ATM (ATM serine/threonine kinase; plus strand). Cytogenetic location: 11q22.3.
Variant type: Duplication.
Coding change: c.2192_2203dup on transcript NM_000051.4 (MANE Select); coding-DNA positions 2192 to 2203, 12 bases duplicated (ACATGGGTGTAA).
Protein change: p.Val734_Ile735insAsnMetGlyVal.
Molecular consequence: inframe insertion. On other transcripts: inframe indel (1).
Genome position (GRCh38, 1-based): chr11:108,256,282-108,256,293, ACATGGGTGTAA duplicated. VCF-style (leftmost placement, unchanged base first): chr11-108256281-T-TACATGGGTGTAA. GRCh37 (hg19) VCF-style: chr11-108127008-T-TACATGGGTGTAA.
Other names: c.2192_2203dup, p.Val734_Ile735insAsnMetGlyVal (NM_001351834.2); c.2192_2203dupACATGGGTGTAA (NM_000051.3).
Identifiers: ClinVar variation 4867053 (VCV004867053.1).